The following is an entry in ClinVar:

NM_005235.3(ERBB4):c.1514A>T (p.His505Leu)

Gene: ERBB4 (erb-b2 receptor tyrosine kinase 4; minus strand). Cytogenetic location: 2q34.
Variant type: single nucleotide variant.
Coding change: c.1514A>T on transcript NM_005235.3 (MANE Select); coding-DNA position 1514, A replaced by T.
Protein change: p.His505Leu; replaces histidine 505 with leucine.
Molecular consequence: missense variant.
Genome position (GRCh38, 1-based): chr2:211,679,160, T>A on the plus strand (A>T on the coding strand, the complement: ERBB4 is on the minus strand). VCF-style: chr2-211679160-T-A. GRCh37 (hg19) VCF-style: chr2-212543885-T-A.
Other names: c.1514A>T, p.His505Leu (NM_001042599.2); short protein forms H505L.
Identifiers: ClinVar variation 1946534 (VCV001946534.5), dbSNP rs759391678, ClinGen allele CA2088108.

ClinVar aggregate classification (germline): Uncertain significance (1 of 4 stars; one submission).

Allele frequency attached by ClinVar (database versions not stated): ExAC 0.00001.

Submission:

Labcorp Genetics (formerly Invitae), Labcorp
Classification: Uncertain significance. Last evaluated: 2022-06-12. Review status: criteria provided, single submitter. Criteria: Invitae Variant Classification Sherloc (09022015). Collection method: clinical testing. Allele origin: germline.
Comment: In summary, the available evidence is currently insufficient to determine the role of this variant in disease. Therefore, it has been classified as a Variant of Uncertain Significance. Algorithms developed to predict the effect of missense changes on protein structure and function output the following: SIFT: "Tolerated"; PolyPhen-2: "Benign"; Align-GVGD: "Class C0". The leucine amino acid residue is found in multiple mammalian species, which suggests that this missense change does not adversely affect protein function. This variant has not been reported in the literature in individuals affected with ERBB4-related conditions. This variant is present in population databases (rs759391678, gnomAD 0.002%). This sequence change replaces histidine, which is basic and polar, with leucine, which is neutral and non-polar, at codon 505 of the ERBB4 protein (p.His505Leu).